The following is an entry in ClinVar:

NM_001365536.1(SCN9A):c.*377C>G

Genes: SCN1A-AS1 (SCN1A and SCN9A antisense RNA 1; plus strand), SCN9A (sodium voltage-gated channel alpha subunit 9; minus strand). Cytogenetic location: 2q24.3.
Variant type: single nucleotide variant.
Coding change: c.*377C>G on transcript NM_001365536.1 (MANE Select); 377 bases downstream of the stop codon, C replaced by G.
Molecular consequence: 3 prime UTR variant.
Genome position (GRCh38, 1-based): chr2:166,198,295, G>C on the plus strand (C>G on the coding strand, the complement: SCN9A is on the minus strand). VCF-style: chr2-166198295-G-C. GRCh37 (hg19) VCF-style: chr2-167054805-G-C.
Other names: c.*377C>G (NM_002977.4).
Identifiers: ClinVar variation 331949 (VCV000331949.6), dbSNP rs115464654, ClinGen allele CA10612520.

ClinVar aggregate classification (germline): Benign. Review status: criteria provided, single submitter (1 of 4 stars). 3 submissions from 1 submitter: Benign (3). Last evaluated 2018-01-13.

Conditions:
Paroxysmal extreme pain disorder (PEXPD). Also called: PAIN, SUBMANDIBULAR, OCULAR, AND RECTAL, WITH FLUSHING; RECTAL PAIN, FAMILIAL; SCN9A Paroxysmal Extreme Pain Disorder (SCN9A-PEPD). Identifiers: Orphanet 46348, MedGen C1833661, MONDO:0008179, OMIM 167400.
Channelopathy-associated congenital insensitivity to pain, autosomal recessive. Also called: Insensitivity to pain, channelopathy-associated; ASYMBOLIA FOR PAIN; CONGENITAL ANALGESIA, AUTOSOMAL RECESSIVE. Identifiers: Orphanet 88642, Orphanet 970, MedGen C1855739, MONDO:0009459, OMIM 243000.
Primary erythromelalgia. Also called: SCN9A Erythromelalgia (SCN9A-EM); primary erythermalgia. Identifiers: Orphanet 306577, Orphanet 90026, MedGen C0014805, MONDO:0007571, OMIM 133020.

Allele frequency attached by ClinVar (database versions not stated): gnomAD exomes 0.00083; 1000 Genomes Project 0.00539; gnomAD 0.00540 and 0.00575; TOPMed 0.00614; 1000 Genomes Project 30x 0.00640.
gnomAD v4.1: 829 of 167,438 alleles (0.5%); highest among the groups gnomAD compares: African/African-American, 1.9%; 12 homozygotes.

Submissions (3):

Illumina Laboratory Services, Illumina
Classification: Benign for Primary erythromelalgia. Last evaluated: 2018-01-13. Review status: criteria provided, single submitter. Criteria: ICSL Variant Classification Criteria 13 December 2019. Collection method: clinical testing. Allele origin: germline.
Comment: This variant was observed in the ICSL laboratory as part of a predisposition screen in an ostensibly healthy population. It had not been previously curated by ICSL or reported in the Human Gene Mutation Database (HGMD: prior to June 1st, 2018), and was therefore a candidate for classification through an automated scoring system. Utilizing variant allele frequency, disease prevalence and penetrance estimates, and inheritance mode, an automated score was calculated to assess if this variant is too frequent to cause the disease. Based on the score and internal cut-off values, a variant classified as benign is not then subjected to further curation. The score for this variant resulted in a classification of benign for this disease.

Illumina Laboratory Services, Illumina
Classification: Benign for Paroxysmal extreme pain disorder. Last evaluated: 2018-01-13. Review status: criteria provided, single submitter. Criteria: ICSL Variant Classification Criteria 13 December 2019. Collection method: clinical testing. Allele origin: germline.
Comment: the same text as in the submission from Illumina Laboratory Services, Illumina above.

Illumina Laboratory Services, Illumina
Classification: Benign for Channelopathy-associated congenital insensitivity to pain, autosomal recessive. Last evaluated: 2018-01-13. Review status: criteria provided, single submitter. Criteria: ICSL Variant Classification Criteria 13 December 2019. Collection method: clinical testing. Allele origin: germline.
Comment: the same text as in the submission from Illumina Laboratory Services, Illumina above.